The following is an entry in ClinVar:

ClinVar aggregate classification (germline): Uncertain significance (1 of 4 stars; one submission).

Submission:

Ambry Genetics
Classification: Uncertain significance. Last evaluated: 2024-02-25. Review status: criteria provided, single submitter. Criteria: Ambry Variant Classification Scheme 2023. Collection method: clinical testing. Allele origin: germline.
Comment: The p.H219Q variant (also known as c.657T>G), located in coding exon 5 of the POLQ gene, results from a T to G substitution at nucleotide position 657. The histidine at codon 219 is replaced by glutamine, an amino acid with highly similar properties. This amino acid position is conserved. In addition, this alteration is predicted to be deleterious by in silico analysis. Based on the available evidence, the clinical significance of this alteration remains unclear.

NM_199420.4(POLQ):c.657T>G (p.His219Gln)

Gene: POLQ (DNA polymerase theta; minus strand). Cytogenetic location: 3q13.33.
Variant type: single nucleotide variant.
Coding change: c.657T>G on transcript NM_199420.4 (MANE Select); coding-DNA position 657, T replaced by G.
Protein change: p.His219Gln; replaces histidine 219 with glutamine.
Molecular consequence: missense variant.
Genome position (GRCh38, 1-based): chr3:121,537,183, A>C on the plus strand (T>G on the coding strand, the complement: POLQ is on the minus strand). VCF-style: chr3-121537183-A-C. GRCh37 (hg19) VCF-style: chr3-121256030-A-C.
Other names: short protein forms H219Q.
Identifiers: ClinVar variation 3230110 (VCV003230110.1), dbSNP rs2546822805, ClinGen allele CA354090723.
Genomic context (GRCh38, chr3:121,537,183, plus strand): 5'-ATAGCAAATCTTGGTCAGCAAAAGTTCCAGCAGATACCCTCGGTGAGAGTCTCCCAGCAT[A>C]TGTAATTCATCCACAACCACCATTCCTAAAAAGATTTTCCAGATACTAGGTTTTTACAGA-3'
Protein context (NP_955452.3, residues 209-229): LLGMVVVDEL[His219Gln]MLGDSHRGYL